The following is an entry in ClinVar:

NM_001563.4(IMPG1):c.1448C>G (p.Thr483Ser)

Gene: IMPG1 (interphotoreceptor matrix proteoglycan 1; minus strand). Cytogenetic location: 6q14.1.
Variant type: single nucleotide variant.
Coding change: c.1448C>G on transcript NM_001563.4 (MANE Select); coding-DNA position 1448, C replaced by G.
Protein change: p.Thr483Ser; replaces threonine 483 with serine.
Molecular consequence: missense variant.
Genome position (GRCh38, 1-based): chr6:75,950,938, G>C on the plus strand (C>G on the coding strand, the complement: IMPG1 is on the minus strand). VCF-style: chr6-75950938-G-C. GRCh37 (hg19) VCF-style: chr6-76660655-G-C.
Other names: c.1214C>G, p.Thr405Ser (NM_001282368.2); short protein forms T405S, T483S.
Identifiers: ClinVar variation 1486659 (VCV001486659.8), dbSNP rs749677008, ClinGen allele CA3898112.

ClinVar aggregate classification (germline): Uncertain significance (1 of 4 stars; one submission).

Allele frequency attached by ClinVar (database versions not stated): TOPMed 0.00001; gnomAD exomes 0.00002; ExAC 0.00001.
gnomAD v4.1: 10 of 1,613,992 alleles (0.00062%); highest among the groups gnomAD compares: Admixed American, 0.017%; no homozygotes.

Submission:

Labcorp Genetics (formerly Invitae), Labcorp
Classification: Uncertain significance. Last evaluated: 2024-10-29. Review status: criteria provided, single submitter. Criteria: Invitae Variant Classification Sherloc (09022015). Collection method: clinical testing. Allele origin: germline.
Comment: This sequence change replaces threonine, which is neutral and polar, with serine, which is neutral and polar, at codon 483 of the IMPG1 protein (p.Thr483Ser). This variant is present in population databases (rs749677008, gnomAD 0.02%). This variant has not been reported in the literature in individuals affected with IMPG1-related conditions. ClinVar contains an entry for this variant (Variation ID: 1486659). An algorithm developed to predict the effect of missense changes on protein structure and function outputs the following: PolyPhen-2: "Benign". The serine amino acid residue is found in multiple mammalian species, which suggests that this missense change does not adversely affect protein function. In summary, the available evidence is currently insufficient to determine the role of this variant in disease. Therefore, it has been classified as a Variant of Uncertain Significance.